The following is an entry in ClinVar:

NM_001160148.2(DDHD1):c.1142-3C>T

Gene: DDHD1 (DDHD domain containing 1; minus strand). Cytogenetic location: 14q22.1.
Variant type: single nucleotide variant.
Coding change: c.1142-3C>T on transcript NM_001160148.2 (MANE Select); 3 bases into the intron before coding-DNA position 1142, C replaced by T.
Molecular consequence: intron variant.
Genome position (GRCh38, 1-based): chr14:53,091,935, G>A on the plus strand (C>T on the coding strand, the complement: DDHD1 is on the minus strand). VCF-style: chr14-53091935-G-A. GRCh37 (hg19) VCF-style: chr14-53558653-G-A.
Other names: c.1142-3C>T (NM_030637.3); c.1163-3C>T (NM_001160147.2).
Identifiers: ClinVar variation 648690 (VCV000648690.4), dbSNP rs1595159763, ClinGen allele CA915948947.

ClinVar aggregate classification (germline): Uncertain significance (1 of 4 stars; one submission).

Conditions:
Hereditary spastic paraplegia 28. Also called: Spastic paraplegia 28, autosomal recessive. Identifiers: Orphanet 101008, MedGen C1836295, MONDO:0012256, OMIM 609340.

Allele frequency attached by ClinVar (database versions not stated): TOPMed 0.00002.

Submission:

Labcorp Genetics (formerly Invitae), Labcorp
Classification: Uncertain significance for Hereditary spastic paraplegia 28. Last evaluated: 2018-10-22. Review status: criteria provided, single submitter. Criteria: Invitae Variant Classification Sherloc (09022015). Collection method: clinical testing. Allele origin: germline.
Comment: This sequence change falls in intron 4 of the DDHD1 gene. It does not directly change the encoded amino acid sequence of the DDHD1 protein, but it affects a nucleotide within the consensus splice site of the intron. This variant is not present in population databases (ExAC no frequency). This variant has not been reported in the literature in individuals with DDHD1-related disease. Nucleotide substitutions within the consensus splice site are a relatively common cause of aberrant splicing (PMID: 17576681, 9536098). Algorithms developed to predict the effect of sequence changes on RNA splicing suggest that this variant is not likely to affect RNA splicing, but this prediction has not been confirmed by published transcriptional studies. In summary, the available evidence is currently insufficient to determine the role of this variant in disease. Therefore, it has been classified as a Variant of Uncertain Significance.

Literature cited by the submitters: PubMed 17576681; PubMed 9536098.